The following is an entry in ClinVar:

NM_001378615.1(CC2D2A):c.3641A>G (p.Tyr1214Cys)

Genes: CC2D2A (coiled-coil and C2 domain containing 2A; plus strand), FBXL5 (F-box and leucine rich repeat protein 5; minus strand). Cytogenetic location: 4p15.32.
Variant type: single nucleotide variant.
Coding change: c.3641A>G on transcript NM_001378615.1 (MANE Select); coding-DNA position 3641, A replaced by G.
Protein change: p.Tyr1214Cys; replaces tyrosine 1214 with cysteine.
Molecular consequence: missense variant.
Genome position (GRCh38, 1-based): chr4:15,574,196, A>G. VCF-style: chr4-15574196-A-G. GRCh37 (hg19) VCF-style: chr4-15575819-A-G.
Other names: c.3641A>G, p.Tyr1214Cys (NM_001080522.2); c.3494A>G, p.Tyr1165Cys (NM_001378617.1); short protein forms Y1165C, Y1214C.
Identifiers: ClinVar variation 5004608 (VCV005004608.1).

ClinVar aggregate classification (germline): Uncertain significance (1 of 4 stars; one submission).

Conditions:
Joubert syndrome and related disorders. Identifiers: Orphanet 140874, MedGen C5679612, MONDO:0015369.

gnomAD v4.1: 1 of 1,551,254 alleles (0.000064%); highest among the groups gnomAD compares: East Asian, 0.0024%; no homozygotes.

Submission:

Myriad Genetics, Inc.
Classification: Uncertain significance for Joubert syndrome and related disorders. Last evaluated: 2026-04-17. Review status: criteria provided, single submitter. Criteria: Myriad Autosomal Dominant, Autosomal Recessive and X-Linked Classification Criteria (2023). Collection method: clinical testing. Allele origin: unknown.
Comment: NM_001080522.2(CC2D2A):c.3641A>G(Y1214C) is a missense variant classified as a variant of uncertain significance in the context of CC2D2A-related disorders. Y1214C has been observed in a case with relevant disease (PMID: 36307859). Relevant functional assessments of this variant are not available in the literature. Y1214C has not been observed in referenced population frequency databases. In summary, there is insufficient evidence to classify NM_001080522.2(CC2D2A):c.3641A>G(Y1214C) as pathogenic or benign. Please note: this variant was assessed in the context of healthy population screening.

Literature cited by the submitters: PubMed 36307859.